The following is an entry in ClinVar:

NM_001134363.3(RBM20):c.164A>C (p.Gln55Pro)

Gene: RBM20 (RNA binding motif protein 20; plus strand). Cytogenetic location: 10q25.2.
Variant type: single nucleotide variant.
Coding change: c.164A>C on transcript NM_001134363.3 (MANE Select); coding-DNA position 164, A replaced by C.
Protein change: p.Gln55Pro; replaces glutamine 55 with proline.
Molecular consequence: missense variant.
Genome position (GRCh38, 1-based): chr10:110,644,618, A>C. VCF-style: chr10-110644618-A-C. GRCh37 (hg19) VCF-style: chr10-112404376-A-C.
Other names: c.164A>C (NM_001134363.1); short protein forms Q55P.
Identifiers: ClinVar variation 1297555 (VCV001297555.4), dbSNP rs1173440443, ClinGen allele CA378527922.

ClinVar aggregate classification (germline): Uncertain significance. Review status: criteria provided, single submitter (1 of 4 stars). 3 submissions from 3 submitters: Uncertain significance (1). 2 of the submissions do not count toward it. Last evaluated 2023-09-30.

Conditions:
Cardiovascular phenotype. Identifiers: MedGen CN230736.

Submissions (3):

Ambry Genetics
Classification: Uncertain significance for Cardiovascular phenotype. Last evaluated: 2023-09-30. Review status: criteria provided, single submitter. Criteria: Ambry Variant Classification Scheme 2023. Collection method: clinical testing. Allele origin: germline.
Comment: The p.Q55P variant (also known as c.164A>C), located in coding exon 1 of the RBM20 gene, results from an A to C substitution at nucleotide position 164. The glutamine at codon 55 is replaced by proline, an amino acid with similar properties. This amino acid position is conserved. In addition, this alteration is predicted to be tolerated by in silico analysis. Since supporting evidence is limited at this time, the clinical significance of this alteration remains unclear.

Clinical Genetics DNA and cytogenetics Diagnostics Lab, Erasmus MC, Erasmus Medical Center
Classification: Likely benign. Review status: no assertion criteria provided. Collection method: clinical testing. Allele origin: germline. Affected: yes. Study: VKGL Data-share Consensus. Not counted in ClinVar's aggregate classification.

Joint Genome Diagnostic Labs from Nijmegen and Maastricht, Radboudumc and MUMC+
Classification: Likely benign. Review status: no assertion criteria provided. Collection method: clinical testing. Allele origin: germline. Affected: yes. Study: VKGL Data-share Consensus. Not counted in ClinVar's aggregate classification.